The following is an entry in ClinVar:

ClinVar aggregate classification (germline): Benign/Likely benign. Review status: criteria provided, multiple submitters, no conflicts (2 of 4 stars). 4 submissions from 4 submitters: Benign (2); Likely benign (2). Last evaluated 2026-09-01.

Conditions:
Vici syndrome (VICIS). Identifiers: Orphanet 1493, MedGen C1855772, MONDO:0009452, OMIM 242840.

Allele frequency attached by ClinVar (database versions not stated): 1000 Genomes Project 30x 0.00625; 1000 Genomes Project 0.00659; ESP Exome Variant Server 0.00706; gnomAD 0.00707 and 0.00754; TOPMed 0.00841; gnomAD exomes 0.00882 and 0.00928; ExAC 0.00889.
gnomAD v4.1: 14,723 of 1,606,370 alleles (0.92%); highest among the groups gnomAD compares: Middle Eastern, 3.4%; 114 homozygotes.

Submissions (4):

CeGaT Center for Human Genetics Tuebingen
Classification: Benign. Last evaluated: 2026-09-01. Review status: criteria provided, single submitter. Criteria: CeGaT Center For Human Genetics Tuebingen Variant Classification Criteria Version 2. Collection method: clinical testing. Allele origin: germline. Affected: yes. Observed: 43 variant alleles.
Comment: EPG5: BP4, BS1, BS2

Labcorp Genetics (formerly Invitae), Labcorp
Classification: Benign for Vici syndrome. Last evaluated: 2026-02-03. Review status: criteria provided, single submitter. Criteria: Invitae Variant Classification Sherloc (09022015). Collection method: clinical testing. Allele origin: germline.

GeneDx
Classification: Likely benign. Last evaluated: 2021-06-11. Review status: criteria provided, single submitter. Criteria: GeneDx Variant Classification Process June 2021. Collection method: clinical testing. Allele origin: germline. Affected: yes.

Breakthrough Genomics
Classification: Likely benign. Review status: criteria provided, single submitter. Criteria: ACMG Guidelines, 2015. Collection method: not provided. Allele origin: germline. Inheritance: Autosomal recessive inheritance. Affected: yes.

NM_020964.3(EPG5):c.1399C>T (p.Leu467=)

Gene: EPG5 (ectopic P-granules 5 autophagy tethering factor; minus strand). Cytogenetic location: 18q21.1.
Variant type: single nucleotide variant.
Coding change: c.1399C>T on transcript NM_020964.3 (MANE Select); coding-DNA position 1399, C replaced by T.
Protein change: p.Leu467=; no amino-acid change (leucine 467 retained).
Molecular consequence: synonymous variant.
Genome position (GRCh38, 1-based): chr18:45,949,582, G>A on the plus strand (C>T on the coding strand, the complement: EPG5 is on the minus strand). VCF-style: chr18-45949582-G-A. GRCh37 (hg19) VCF-style: chr18-43529548-G-A.
Other names: c.1399C>T, p.Leu467= (LRG_1234t1).
Identifiers: ClinVar variation 534615 (VCV000534615.39), dbSNP rs145998030, ClinGen allele CA8949731.